The following is an entry in ClinVar:

ClinVar aggregate classification (germline): Pathogenic (1 of 4 stars; one submission).

Conditions:
Parathyroid carcinoma (PRTC). Also called: Parathyroid gland carcinoma; CDC73-Related Parathyroid Carcinoma. Identifiers: Orphanet 143, MedGen C0687150, MONDO:0012004, OMIM 608266, HP:0006780.

Submission:

Labcorp Genetics (formerly Invitae), Labcorp
Classification: Pathogenic for Parathyroid carcinoma. Last evaluated: 2022-03-18. Review status: criteria provided, single submitter. Criteria: Invitae Variant Classification Sherloc (09022015). Collection method: clinical testing. Allele origin: germline.
Comment: For these reasons, this variant has been classified as Pathogenic. This sequence change creates a premature translational stop signal (p.Pro466Glnfs*13) in the CDC73 gene. It is expected to result in an absent or disrupted protein product. Loss-of-function variants in CDC73 are known to be pathogenic (PMID: 12434154). This variant is not present in population databases (gnomAD no frequency). This variant has not been reported in the literature in individuals affected with CDC73-related conditions. Algorithms developed to predict the effect of sequence changes on RNA splicing suggest that this variant may disrupt the consensus splice site.

Literature cited by the submitters: PubMed 12434154.

NM_024529.5(CDC73):c.1397del (p.Pro466fs)

Gene: CDC73 (cell division cycle 73; plus strand). Cytogenetic location: 1q31.2.
Variant type: Deletion.
Coding change: c.1397del on transcript NM_024529.5 (MANE Select); coding-DNA position 1397, one base deleted (C; older notation c.1397delC).
Protein change: p.Pro466fs; shifts the reading frame from proline 466.
Molecular consequence: frameshift variant.
Genome position (GRCh38, 1-based): chr1:193,236,336, C deleted; the last of 2 consecutive C bases (chr1:193,236,335-193,236,336); deleting either gives the same sequence. VCF-style (leftmost placement, unchanged base first): chr1-193236334-AC-A. GRCh37 (hg19) VCF-style: chr1-193205464-AC-A.
Other names: short protein forms P466fs.
Identifiers: ClinVar variation 1459882 (VCV001459882.6), dbSNP rs2102061886, ClinGen allele CA2573131398.